The following is an entry in ClinVar:

NM_000264.5(PTCH1):c.3549+4A>T

Gene: PTCH1 (patched 1; minus strand). Cytogenetic location: 9q22.32.
Variant type: single nucleotide variant.
Coding change: c.3549+4A>T on transcript NM_000264.5 (MANE Select); 4 bases into the intron after coding-DNA position 3549, A replaced by T.
Molecular consequence: intron variant.
Genome position (GRCh38, 1-based): chr9:95,449,837, T>A on the plus strand (A>T on the coding strand, the complement: PTCH1 is on the minus strand). VCF-style: chr9-95449837-T-A. GRCh37 (hg19) VCF-style: chr9-98212119-T-A.
Other names: c.3546+4A>T (NM_001083603.3); c.3351+4A>T (NM_001083602.3); c.3393+4A>T (NM_001354918.2); c.3096+4A>T (NM_001083605.3, NM_001083604.3, NM_001083606.3 and 1 more transcripts).
Identifiers: ClinVar variation 2744391 (VCV002744391.3), dbSNP rs2538020638, ClinGen allele CA2697557942.

ClinVar aggregate classification (germline): Uncertain significance (1 of 4 stars; one submission).

Conditions:
Gorlin syndrome. Also called: Basal cell nevus syndrome; Nevoid Basal Cell Carcinoma Syndrome. Identifiers: Orphanet 377, MedGen C0004779, MONDO:0007187.

Submission:

Labcorp Genetics (formerly Invitae), Labcorp
Classification: Uncertain significance for Gorlin syndrome. Last evaluated: 2023-07-17. Review status: criteria provided, single submitter. Criteria: Invitae Variant Classification Sherloc (09022015). Collection method: clinical testing. Allele origin: germline.
Comment: In summary, the available evidence is currently insufficient to determine the role of this variant in disease. Therefore, it has been classified as a Variant of Uncertain Significance. Variants that disrupt the consensus splice site are a relatively common cause of aberrant splicing (PMID: 17576681, 9536098). Algorithms developed to predict the effect of sequence changes on RNA splicing suggest that this variant may disrupt the consensus splice site. This variant has not been reported in the literature in individuals affected with PTCH1-related conditions. This variant is not present in population databases (gnomAD no frequency). This sequence change falls in intron 21 of the PTCH1 gene. It does not directly change the encoded amino acid sequence of the PTCH1 protein. It affects a nucleotide within the consensus splice site.

Literature cited by the submitters: PubMed 17576681; PubMed 9536098.